The following is an entry in ClinVar:

NM_000157.4(GBA1):c.695G>A (p.Gly232Glu)

Genes: GBA1 (glucosylceramidase beta 1; minus strand), LOC106627981 (GBA recombination region; plus strand). Cytogenetic location: 1q22.
Variant type: single nucleotide variant.
Coding change: c.695G>A on transcript NM_000157.4 (MANE Select); coding-DNA position 695, G replaced by A.
Protein change: p.Gly232Glu; replaces glycine 232 with glutamic acid.
Molecular consequence: missense variant.
Genome position (GRCh38, 1-based): chr1:155,238,200, C>T on the plus strand (G>A on the coding strand, the complement: GBA1 is on the minus strand). VCF-style: chr1-155238200-C-T. GRCh37 (hg19) VCF-style: chr1-155207991-C-T.
Other names: c.695G>A, p.Gly232Glu (NM_001005741.3, NM_001005742.3); c.434G>A, p.Gly145Glu (NM_001171811.2); c.548G>A, p.Gly183Glu (NM_001171812.2); c.695G>A (NM_000157.3); short protein forms G145E, G183E, G232E.
Identifiers: ClinVar variation 1333748 (VCV001333748.4), dbSNP rs1376479747, ClinGen allele CA342722010.

ClinVar aggregate classification (germline): Conflicting classifications of pathogenicity. Review status: criteria provided, conflicting classifications (1 of 4 stars). 4 submissions from 4 submitters: Likely pathogenic (2); Uncertain significance (2). Last evaluated 2025-07-18.

Conditions:
Gaucher disease. Also called: Acute cerebral Gaucher disease; Cerebroside lipidosis syndrome; Gaucher splenomegaly; Sphingolipidosis 1; Glucocerebrosidosis; Glucosylceramidase deficiency. Identifiers: Orphanet 355, MedGen C0017205, MONDO:0018150.
Alpha thalassemia-X-linked intellectual disability syndrome (ATRX). Also called: ALPHA-THALASSEMIA/IMPAIRED INTELLECTUAL DEVELOPMENT SYNDROME, X-LINKED; ATR-X syndrome; Alpha thalassemia mental retardation syndrome, nondeletion type, X-linked; XLMR hypotonic face syndrome; ALPHA-THALASSEMIA/MENTAL RETARDATION SYNDROME, X-LINKED; ATR, NONDELETION TYPE. Identifiers: Orphanet 847, MedGen C1845055, MONDO:0010519, OMIM 301040.

Allele frequency attached by ClinVar (database versions not stated): gnomAD exomes 0.00001; gnomAD 0.00001; TOPMed 0.00001.
gnomAD v4.1: 17 of 1,614,058 alleles (0.0011%); highest among the groups gnomAD compares: Non-Finnish European, 0.0014%; no homozygotes.

Submissions (4):

Natera, Inc.
Classification: Likely pathogenic for Gaucher disease. Last evaluated: 2025-07-18. Review status: criteria provided, single submitter. Criteria: Natera Variant Classification Schema (03/2026). Collection method: clinical testing. Allele origin: germline.
Comment: The c.695G>A variant in GBA1 is a missense variant predicted to cause substitution of glycine to glutamic acid at amino acid 232. This variant is rare in the general population with a frequency below the threshold expected for the associated phenotype(s). Functional studies show that this variant may disrupt protein function (PMID: 16293621). A different variant at the same position has been determined to be Pathogenic or Likely Pathogenic. Computational prediction algorithms indicate this variant is likely to affect gene or protein function. Given the available evidence, this variant is classified as Likely Pathogenic.

Revvity Omics, Revvity
Classification: Uncertain significance. Last evaluated: 2025-05-15. Review status: criteria provided, single submitter. Criteria: ACMG Guidelines, 2015. Collection method: clinical testing. Allele origin: germline.

GeneDx
Classification: Likely pathogenic. Last evaluated: 2024-02-20. Review status: criteria provided, single submitter. Criteria: GeneDx Variant Classification Process June 2021. Collection method: clinical testing. Allele origin: germline. Affected: yes.
Comment: Identified in association with Parkinson's disease and Gaucher disease (PMID: 19286695, 16293621); Also known as p.(G193E); In silico analysis supports that this missense variant has a deleterious effect on protein structure/function; Published functional studies demonstrate a damaging effect on enzyme activity (PMID: 16293621); Not observed at significant frequency in large population cohorts (gnomAD); This variant is associated with the following publications: (PMID: 16293621, 19286695)

CENTOGENE GmbH and LLC - Guiding Precision Medicine
Classification: Uncertain significance for Alpha thalassemia-X-linked intellectual disability syndrome. Last evaluated: 2018-04-10. Review status: criteria provided, single submitter. Criteria: ACMG Guidelines, 2015. Collection method: clinical testing. Allele origin: germline. Affected: yes.

Literature cited by the submitters: PubMed 16293621 (cited by Natera, Inc.).